The following is an entry in ClinVar:

ClinVar aggregate classification (germline): Uncertain significance. Review status: criteria provided, multiple submitters, no conflicts (2 of 4 stars). 4 submissions from 4 submitters: Uncertain significance (4). Last evaluated 2026-02-03.

Conditions:
Hereditary cancer-predisposing syndrome. Also called: Neoplastic Syndromes, Hereditary; Hereditary Cancer Syndrome; Tumor predisposition; Hereditary neoplastic syndrome. Identifiers: Orphanet 140162, MedGen C0027672, MeSH D009386, MONDO:0015356.
Cardiovascular phenotype. Identifiers: MedGen CN230736.
Neurofibromatosis, type 1 (NF1). Also called: Peripheral type neurofibromatosis; Neurofibromatosis, type I; VON RECKLINGHAUSEN DISEASE; NEUROFIBROMATOSIS, TYPE I, SOMATIC. Identifiers: Orphanet 636, MedGen C0027831, MONDO:0018975, OMIM 162200. Disease mechanism: loss of function.

Submissions (4):

Labcorp Genetics (formerly Invitae), Labcorp
Classification: Uncertain significance for Neurofibromatosis, type 1. Last evaluated: 2026-02-03. Review status: criteria provided, single submitter. Criteria: Invitae Variant Classification Sherloc (09022015). Collection method: clinical testing. Allele origin: germline.
Comment: This sequence change replaces histidine, which is basic and polar, with glutamine, which is neutral and polar, at codon 1793 of the NF1 protein (p.His1793Gln). This variant is not present in population databases (gnomAD no frequency). This variant has not been reported in the literature in individuals affected with NF1-related conditions. ClinVar contains an entry for this variant (Variation ID: 561700). Invitae Evidence Modeling of protein sequence and biophysical properties (such as structural, functional, and spatial information, amino acid conservation, physicochemical variation, residue mobility, and thermodynamic stability) indicates that this missense variant is expected to disrupt NF1 protein function with a positive predictive value of 95%. In summary, the available evidence is currently insufficient to determine the role of this variant in disease. Therefore, it has been classified as a Variant of Uncertain Significance.

Ambry Genetics
Classification: Uncertain significance for Cardiovascular phenotype; Hereditary cancer-predisposing syndrome. Last evaluated: 2025-11-21. Review status: criteria provided, single submitter. Criteria: Ambry Variant Classification Scheme 2023. Collection method: clinical testing. Allele origin: germline.
Comment: The p.H1793Q variant (also known as c.5379C>G), located in coding exon 37 of the NF1 gene, results from a C to G substitution at nucleotide position 5379. The histidine at codon 1793 is replaced by glutamine, an amino acid with highly similar properties. This amino acid position is highly conserved in available vertebrate species. In addition, this alteration is predicted to be deleterious by in silico analysis. Based on the available evidence, the clinical significance of this variant remains unclear.

Dasa
Classification: Uncertain significance. Last evaluated: 2025-04-12. Review status: criteria provided, single submitter. Criteria: DASA Assertion Criteria. Collection method: clinical testing. Allele origin: germline.
Comment: NM_001042492.3(NF1):c.5442C>G (p.His1814Gln) is a missense variant that results in the substitution of histidine with glutamine. This variant is absent from population databases. Computational prediction algorithms are consistent with a deleterious effect. The currently available literature and clinical evidence are not sufficient to establish a definitive association between this variant and the reported condition. Therefore, this variant is classified as a variant of uncertain significance.

GeneDx
Classification: Uncertain significance. Last evaluated: 2023-11-26. Review status: criteria provided, single submitter. Criteria: GeneDx Variant Classification Process June 2021. Collection method: clinical testing. Allele origin: germline. Affected: yes.
Comment: Not observed at significant frequency in large population cohorts (gnomAD); In silico analysis supports that this missense variant has a deleterious effect on protein structure/function; Has not been previously published as pathogenic or benign to our knowledge

NM_001042492.3(NF1):c.5442C>G (p.His1814Gln)

Gene: NF1 (neurofibromin 1; plus strand). Cytogenetic location: 17q11.2.
Variant type: single nucleotide variant.
Coding change: c.5442C>G on transcript NM_001042492.3 (MANE Select); coding-DNA position 5442, C replaced by G.
Protein change: p.His1814Gln; replaces histidine 1814 with glutamine.
Molecular consequence: missense variant.
Genome position (GRCh38, 1-based): chr17:31,327,672, C>G. VCF-style: chr17-31327672-C-G. GRCh37 (hg19) VCF-style: chr17-29654690-C-G.
Other names: c.5379C>G, p.His1793Gln (NM_000267.4); short protein forms H1793Q, H1814Q.
Identifiers: ClinVar variation 561700 (VCV000561700.10), dbSNP rs991848606, ClinGen allele CA399009450.